The following is an entry in ClinVar:

NM_022725.4(FANCF):c.814C>T (p.Pro272Ser)

Gene: FANCF (FA complementation group F; minus strand). Cytogenetic location: 11p14.3.
Variant type: single nucleotide variant.
Coding change: c.814C>T on transcript NM_022725.4 (MANE Select); coding-DNA position 814, C replaced by T.
Protein change: p.Pro272Ser; replaces proline 272 with serine.
Molecular consequence: missense variant.
Genome position (GRCh38, 1-based): chr11:22,624,997, G>A on the plus strand (C>T on the coding strand, the complement: FANCF is on the minus strand). VCF-style: chr11-22624997-G-A. GRCh37 (hg19) VCF-style: chr11-22646543-G-A.
Other names: short protein forms P272S.
Identifiers: ClinVar variation 1966001 (VCV001966001.5), dbSNP rs763682296, ClinGen allele CA380058275.
Genomic context (GRCh38, chr11:22,624,997, plus strand): 5'-CTTTCTGAAGGTCATAGTGCAAACGTTGACCCCAGTCTGTTAGCAGACCCAGATAGACAG[G>A]AGACAGCGCTGGGTGGCGGCTAGTCACTAAAGTCAAAAGCCCGGCTGGGAGGGCGCGACA-3'
Protein context (NP_073562.1, residues 262-282): LVTSRHPALS[Pro272Ser]VYLGLLTDWG

ClinVar aggregate classification (germline): Uncertain significance. Review status: criteria provided, multiple submitters, no conflicts (2 of 4 stars). 3 submissions from 3 submitters: Uncertain significance (3). Last evaluated 2024-01-20.

Conditions:
Inborn genetic diseases. Identifiers: MedGen C0950123, MeSH D030342.
Fanconi anemia complementation group F. Also called: FANCF-Related Fanconi Anemia. Identifiers: Orphanet 84, MedGen C3469526, MONDO:0011325, OMIM 603467.
Fanconi anemia (FA). Also called: Fanconi's anemia. Identifiers: Orphanet 84, MedGen C0015625, MeSH D005199, MONDO:0019391.

Submissions (3):

Fulgent Genetics
Classification: Uncertain significance for Fanconi anemia complementation group F. Last evaluated: 2024-01-20. Review status: criteria provided, single submitter. Criteria: ACMG Guidelines, 2015. Collection method: clinical testing. Allele origin: germline.

Labcorp Genetics (formerly Invitae), Labcorp
Classification: Uncertain significance for Fanconi anemia. Last evaluated: 2023-11-16. Review status: criteria provided, single submitter. Criteria: Invitae Variant Classification Sherloc (09022015). Collection method: clinical testing. Allele origin: germline.
Comment: This sequence change replaces proline, which is neutral and non-polar, with serine, which is neutral and polar, at codon 272 of the FANCF protein (p.Pro272Ser). This variant is present in population databases (no rsID available, gnomAD 0.0009%). This variant has not been reported in the literature in individuals affected with FANCF-related conditions. ClinVar contains an entry for this variant (Variation ID: 1966001). Advanced modeling of protein sequence and biophysical properties (such as structural, functional, and spatial information, amino acid conservation, physicochemical variation, residue mobility, and thermodynamic stability) performed at Invitae indicates that this missense variant is not expected to disrupt FANCF protein function with a negative predictive value of 80%. In summary, the available evidence is currently insufficient to determine the role of this variant in disease. Therefore, it has been classified as a Variant of Uncertain Significance.

Ambry Genetics
Classification: Uncertain significance for Inborn genetic diseases. Last evaluated: 2022-12-27. Review status: criteria provided, single submitter. Criteria: Ambry Variant Classification Scheme 2023. Collection method: clinical testing. Allele origin: germline.